The following is an entry in ClinVar:

NM_203447.4(DOCK8):c.6165G>C (p.Glu2055Asp)

Gene: DOCK8 (dedicator of cytokinesis 8; plus strand). Cytogenetic location: 9p24.3.
Variant type: single nucleotide variant.
Coding change: c.6165G>C on transcript NM_203447.4 (MANE Select); coding-DNA position 6165, G replaced by C.
Protein change: p.Glu2055Asp; replaces glutamic acid 2055 with aspartic acid.
Molecular consequence: missense variant.
Genome position (GRCh38, 1-based): chr9:463,613, G>C. VCF-style: chr9-463613-G-C. GRCh37 (hg19) VCF-style: chr9-463613-G-C.
Other names: c.5865G>C, p.Glu1955Asp (NM_001190458.2); c.5961G>C, p.Glu1987Asp (NM_001193536.2); short protein forms E1955D, E1987D, E2055D.
Identifiers: ClinVar variation 1481489 (VCV001481489.8), dbSNP rs767082262, ClinGen allele CA372751745.

ClinVar aggregate classification (germline): Uncertain significance (1 of 4 stars; one submission).

Conditions:
Combined immunodeficiency due to DOCK8 deficiency (HIES2). Also called: HIES autosomal recessive; Hyper-IgE recurrent infection syndrome, autosomal recessive; HYPER-IgE RECURRENT INFECTION SYNDROME 2, AUTOSOMAL RECESSIVE; HYPER-IgE SYNDROME 2, AUTOSOMAL RECESSIVE, WITH RECURRENT INFECTIONS; DOCK8 Deficiency. Identifiers: Orphanet 217390, MedGen C4722305, MONDO:0009478, OMIM 243700.

Submission:

Labcorp Genetics (formerly Invitae), Labcorp
Classification: Uncertain significance for Combined immunodeficiency due to DOCK8 deficiency. Last evaluated: 2020-11-04. Review status: criteria provided, single submitter. Criteria: Invitae Variant Classification Sherloc (09022015). Collection method: clinical testing. Allele origin: germline.
Comment: In summary, the available evidence is currently insufficient to determine the role of this variant in disease. Therefore, it has been classified as a Variant of Uncertain Significance. Algorithms developed to predict the effect of missense changes on protein structure and function output the following: SIFT: "Tolerated"; PolyPhen-2: "Benign"; Align-GVGD: "Class C0". The aspartic acid amino acid residue is found in multiple mammalian species, suggesting that this missense change does not adversely affect protein function. These predictions have not been confirmed by published functional studies and their clinical significance is uncertain. This variant has not been reported in the literature in individuals with DOCK8-related conditions. This variant is not present in population databases (ExAC no frequency). This sequence change replaces glutamic acid with aspartic acid at codon 2055 of the DOCK8 protein (p.Glu2055Asp). The glutamic acid residue is moderately conserved and there is a small physicochemical difference between glutamic acid and aspartic acid.